The following is an entry in ClinVar:

NM_002334.4(LRP4):c.2554G>C (p.Val852Leu)

Gene: LRP4 (LDL receptor related protein 4; minus strand). Cytogenetic location: 11p11.2.
Variant type: single nucleotide variant.
Coding change: c.2554G>C on transcript NM_002334.4 (MANE Select); coding-DNA position 2554, G replaced by C.
Protein change: p.Val852Leu; replaces valine 852 with leucine.
Molecular consequence: missense variant.
Genome position (GRCh38, 1-based): chr11:46,883,929, C>G on the plus strand (G>C on the coding strand, the complement: LRP4 is on the minus strand). VCF-style: chr11-46883929-C-G. GRCh37 (hg19) VCF-style: chr11-46905480-C-G.
Other names: c.2554G>C (NM_002334.3); short protein forms V852L.
Identifiers: ClinVar variation 3599701 (VCV003599701.2).

ClinVar aggregate classification (germline): Uncertain significance. Review status: criteria provided, multiple submitters, no conflicts (2 of 4 stars). 2 submissions from 2 submitters: Uncertain significance (2). Last evaluated 2025-05-18.

Conditions:
Cenani-Lenz syndactyly syndrome. Also called: CENANI SYNDACTYLISM; SYNDACTYLY, TYPE VII. Identifiers: Orphanet 3258, MedGen C1859309, MONDO:0008931, OMIM 212780.
Sclerosteosis 2 (SOST2). Identifiers: Orphanet 3152, MedGen C3280402, MONDO:0013679, OMIM 614305.
Congenital myasthenic syndrome 17. Identifiers: Orphanet 590, MedGen C4225377, MONDO:0014578, OMIM 616304.

Submissions (2):

GeneDx
Classification: Uncertain significance. Last evaluated: 2025-05-18. Review status: criteria provided, single submitter. Criteria: GeneDx Variant Classification Process June 2021. Collection method: clinical testing. Allele origin: germline. Affected: yes.
Comment: Not observed at significant frequency in large population cohorts (gnomAD); In silico analysis suggests that this missense variant does not alter protein structure/function; Has not been previously published as pathogenic or benign to our knowledge

Fulgent Genetics
Classification: Uncertain significance for Cenani-Lenz syndactyly syndrome; Sclerosteosis 2; Congenital myasthenic syndrome 17. Last evaluated: 2024-04-10. Review status: criteria provided, single submitter. Criteria: ACMG Guidelines, 2015. Collection method: clinical testing. Allele origin: germline.